The following is an entry in ClinVar:

NM_025114.4(CEP290):c.6116A>C (p.Asp2039Ala)

Gene: CEP290 (centrosomal protein 290; minus strand). Cytogenetic location: 12q21.32.
Variant type: single nucleotide variant.
Coding change: c.6116A>C on transcript NM_025114.4 (MANE Select); coding-DNA position 6116, A replaced by C.
Protein change: p.Asp2039Ala; replaces aspartic acid 2039 with alanine.
Molecular consequence: missense variant.
Genome position (GRCh38, 1-based): chr12:88,068,541, T>G on the plus strand (A>C on the coding strand, the complement: CEP290 is on the minus strand). VCF-style: chr12-88068541-T-G. GRCh37 (hg19) VCF-style: chr12-88462318-T-G.
Other names: short protein forms D2039A.
Identifiers: ClinVar variation 4985456 (VCV004985456.1).

ClinVar aggregate classification (germline): Uncertain significance (1 of 4 stars; one submission).

Conditions:
CEP290-related disorder. Also called: CEP290-related disorders; CEP290-related condition. Identifiers: MedGen CN239314.

gnomAD v4.1: 1 of 1,562,020 alleles (0.000064%); highest among the groups gnomAD compares: African/African-American, 0.0014%; no homozygotes.

Submission:

PreventionGenetics, part of Exact Sciences
Classification: Uncertain significance for CEP290-related condition. Last evaluated: 2025-10-14. Review status: criteria provided, single submitter. Criteria: ACMG Guidelines, 2015. Collection method: clinical testing. Allele origin: germline.
Comment: The CEP290 c.6116A>C variant is predicted to result in the amino acid substitution p.Asp2039Ala. To our knowledge, this variant has not been reported in the literature. A different missense variant affecting the same amino acid (p.Asp2039Gly) was reported along with a second CEP290 variant in an individual with retinitis pigmentosa (Takahashi et al. 2019. PubMed ID: 31370859 ). This variant is reported in 0.0073% of alleles in individuals of African descent in gnomAD. At this time, the clinical significance of this variant is uncertain due to the absence of conclusive functional and genetic evidence.